The following is an entry in ClinVar:

NM_005639.3(SYT1):c.849C>T (p.Tyr283=)

Gene: SYT1 (synaptotagmin 1; plus strand). Cytogenetic location: 12q21.2.
Variant type: single nucleotide variant.
Coding change: c.849C>T on transcript NM_005639.3 (MANE Select); coding-DNA position 849, C replaced by T.
Protein change: p.Tyr283=; no amino-acid change (tyrosine 283 retained).
Molecular consequence: synonymous variant.
Genome position (GRCh38, 1-based): chr12:79,353,540, C>T. VCF-style: chr12-79353540-C-T. GRCh37 (hg19) VCF-style: chr12-79747320-C-T.
Other names: c.849C>T, p.Tyr283= (NM_001135805.2, NM_001135806.2, NM_001415938.1 and 2 more transcripts); c.840C>T, p.Tyr280= (NM_001291901.2, NM_001415941.1, NM_001415942.1 and 1 more transcripts).
Identifiers: ClinVar variation 3040037 (VCV003040037.15), dbSNP rs146053442, ClinGen allele CA6698900.

ClinVar aggregate classification (germline): Likely benign. Review status: criteria provided, single submitter (1 of 4 stars). 2 submissions from 2 submitters: Likely benign (1). 1 of the submissions does not count toward it. Last evaluated 2024-12-01.

Conditions:
SYT1-related disorder. Also called: SYT1-related condition.

Allele frequency attached by ClinVar (database versions not stated): gnomAD 0.00034; TOPMed 0.00034; gnomAD exomes 0.00035; ExAC 0.00063; 1000 Genomes Project 0.00080; 1000 Genomes Project 30x 0.00125.
gnomAD v4.1: 555 of 1,614,104 alleles (0.034%); highest among the groups gnomAD compares: East Asian, 1.1%; 6 homozygotes.

Submissions (2):

CeGaT Center for Human Genetics Tuebingen
Classification: Likely benign. Last evaluated: 2024-12-01. Review status: criteria provided, single submitter. Criteria: CeGaT Center For Human Genetics Tuebingen Variant Classification Criteria Version 2. Collection method: clinical testing. Allele origin: germline. Affected: yes. Observed: 1 variant allele.
Comment: SYT1: BP4, BP7, BS1

PreventionGenetics, part of Exact Sciences
Classification: Benign for SYT1-related condition. Last evaluated: 2019-09-10. Review status: no assertion criteria provided. Collection method: clinical testing. Allele origin: germline. Not counted in ClinVar's aggregate classification.
Comment: This variant is classified as benign based on ACMG/AMP sequence variant interpretation guidelines (Richards et al. 2015 PMID: 25741868, with internal and published modifications).